The following is an entry in ClinVar:

NM_032242.4(PLXNA1):c.2674C>T (p.Arg892Ter)

Gene: PLXNA1 (plexin A1; plus strand). Cytogenetic location: 3q21.3.
Variant type: single nucleotide variant.
Coding change: c.2674C>T on transcript NM_032242.4 (MANE Select); coding-DNA position 2674, C replaced by T.
Protein change: p.Arg892Ter; replaces arginine 892 with a stop codon.
Molecular consequence: nonsense.
Genome position (GRCh38, 1-based): chr3:127,014,547, C>T. VCF-style: chr3-127014547-C-T. GRCh37 (hg19) VCF-style: chr3-126733390-C-T.
Other names: short protein forms R892*.
Identifiers: ClinVar variation 2108224 (VCV002108224.4), dbSNP rs766352439, ClinGen allele CA2593721.

ClinVar aggregate classification (germline): Pathogenic (1 of 4 stars; one submission).

Allele frequency attached by ClinVar (database versions not stated): gnomAD exomes below 0.00001; ExAC 0.00002.
gnomAD v4.1: 5 of 1,611,596 alleles (0.00031%); highest among the groups gnomAD compares: Non-Finnish European, 0.00025%; no homozygotes.

Submission:

Labcorp Genetics (formerly Invitae), Labcorp
Classification: Pathogenic. Last evaluated: 2022-04-14. Review status: criteria provided, single submitter. Criteria: Invitae Variant Classification Sherloc (09022015). Collection method: clinical testing. Allele origin: germline.
Comment: For these reasons, this variant has been classified as Pathogenic. This variant has not been reported in the literature in individuals affected with PLXNA1-related conditions. The frequency data for this variant in the population databases is considered unreliable, as metrics indicate poor data quality at this position in the gnomAD database. This sequence change creates a premature translational stop signal (p.Arg892*) in the PLXNA1 gene. It is expected to result in an absent or disrupted protein product. Loss-of-function variants in PLXNA1 are known to be pathogenic (PMID: 34054129).

Literature cited by the submitters: PubMed 34054129.